The following is an entry in ClinVar:

NM_021147.5(CCNO):c.793del (p.Val265fs)

Gene: CCNO (cyclin O; minus strand). Cytogenetic location: 5q11.2.
Variant type: Deletion.
Coding change: c.793del on transcript NM_021147.5 (MANE Select); coding-DNA position 793, one base deleted (G; older notation c.793delG).
Protein change: p.Val265fs; shifts the reading frame from valine 265.
Molecular consequence: frameshift variant. On other transcripts: non-coding transcript variant (3).
Genome position (GRCh38, 1-based): chr5:55,231,635, C deleted on the plus strand (G on the coding strand, the reverse complement: CCNO is on the minus strand); the first of 6 consecutive C bases (chr5:55,231,635-55,231,640); deleting any one gives the same sequence. VCF-style (leftmost placement, unchanged base first): chr5-55231634-AC-A. GRCh37 (hg19) VCF-style: chr5-54527462-AC-A.
Other names: short protein forms V265fs.
Identifiers: ClinVar variation 838130 (VCV000838130.10), dbSNP rs769899297, ClinGen allele CA645541419.
Genomic context (GRCh38, chr5:55,231,634, plus strand): 5'-ATCGCCAGGAGGGAAGGGGAGTAGCTGGTGAAGGCATAGTCGGCCAGACTCAGCTCTGCC[AC>A]CCCCCGCGCCAGGGCTTGCGCTTCCAGAGCTTCGGAGGCCTCAGCCTGCCCCGCCTCCAC-3'

ClinVar aggregate classification (germline): Pathogenic (1 of 4 stars; one submission).

Conditions:
Primary ciliary dyskinesia. Also called: Ciliary dyskinesia. Identifiers: Orphanet 244, MedGen C0008780, MONDO:0016575, HP:0012265.

Submission:

Labcorp Genetics (formerly Invitae), Labcorp
Classification: Pathogenic for Primary ciliary dyskinesia. Last evaluated: 2019-03-22. Review status: criteria provided, single submitter. Criteria: Invitae Variant Classification Sherloc (09022015). Collection method: clinical testing. Allele origin: germline.
Comment: For these reasons, this variant has been classified as Pathogenic. This variant disrupts the C-terminus of the CCNO protein. Other variant(s) that disrupt this region (p.Gln321*) have been determined to be pathogenic (PMID: 24747639, 26139845). This suggests that variants that disrupt this region of the protein are likely to be causative of disease. This variant has not been reported in the literature in individuals with CCNO-related conditions. This variant is not present in population databases (ExAC no frequency). This sequence change results in a premature translational stop signal in the CCNO gene (p.Val265Trpfs*4). While this is not anticipated to result in nonsense mediated decay, it is expected to disrupt the last 86 amino acids of the CCNO protein.

Literature cited by the submitters: PubMed 24747639; PubMed 26139845.